The following is an entry in ClinVar:

ClinVar aggregate classification (germline): Uncertain significance. Review status: criteria provided, multiple submitters, no conflicts (2 of 4 stars). 2 submissions from 2 submitters: Uncertain significance (2). Last evaluated 2025-12-19.

Allele frequency attached by ClinVar (database versions not stated): gnomAD exomes below 0.00001 and 0.00001; ExAC 0.00001; TOPMed 0.00002.
gnomAD v4.1: 7 of 1,613,906 alleles (0.00043%); highest among the groups gnomAD compares: Admixed American, 0.0017%; no homozygotes.

Submissions (2):

Ambry Genetics
Classification: Uncertain significance. Last evaluated: 2025-12-19. Review status: criteria provided, single submitter. Criteria: Ambry Variant Classification Scheme 2023. Collection method: clinical testing. Allele origin: germline.
Comment: The p.N697S variant (also known as c.2090A>G), located in coding exon 14 of the RINT1 gene, results from an A to G substitution at nucleotide position 2090. The asparagine at codon 697 is replaced by serine, an amino acid with highly similar properties. This alteration has been reported in breast cancer cohorts (Park DJ et al. Cancer Discov, 2014 Jul;4:804-15; Young EL et al. J Med Genet, 2016 06;53:366-76). This amino acid position is well conserved in available vertebrate species; however, serine is the reference amino acid in other vertebrate species. In addition, this alteration is predicted to be tolerated by in silico analysis. Since supporting evidence is limited at this time, the clinical significance of this alteration remains unclear.

Labcorp Genetics (formerly Invitae), Labcorp
Classification: Uncertain significance. Last evaluated: 2022-06-08. Review status: criteria provided, single submitter. Criteria: Invitae Variant Classification Sherloc (09022015). Collection method: clinical testing. Allele origin: germline.
Comment: This sequence change replaces asparagine, which is neutral and polar, with serine, which is neutral and polar, at codon 697 of the RINT1 protein (p.Asn697Ser). This variant is present in population databases (rs777493133, gnomAD 0.0009%). This variant has not been reported in the literature in individuals affected with RINT1-related conditions. ClinVar contains an entry for this variant (Variation ID: 1014198). Algorithms developed to predict the effect of missense changes on protein structure and function (SIFT, PolyPhen-2, Align-GVGD) all suggest that this variant is likely to be tolerated. Algorithms developed to predict the effect of sequence changes on RNA splicing suggest that this variant may create or strengthen a splice site. In summary, the available evidence is currently insufficient to determine the role of this variant in disease. Therefore, it has been classified as a Variant of Uncertain Significance.

Literature cited by the submitters: PubMed 25050558 (cited by Ambry Genetics); PubMed 26787654 (cited by Ambry Genetics).

NM_021930.6(RINT1):c.2090A>G (p.Asn697Ser)

Genes: EFCAB10 (EF-hand calcium binding domain 10; minus strand), RINT1 (RAD50 interactor 1; plus strand). Cytogenetic location: 7q22.3.
Variant type: single nucleotide variant.
Coding change: c.2090A>G on transcript NM_021930.6 (MANE Select); coding-DNA position 2090, A replaced by G.
Protein change: p.Asn697Ser; replaces asparagine 697 with serine.
Molecular consequence: missense variant. On other transcripts: synonymous variant (1), non-coding transcript variant (1), intron variant (2).
Genome position (GRCh38, 1-based): chr7:105,565,552, A>G. VCF-style: chr7-105565552-A-G. GRCh37 (hg19) VCF-style: chr7-105205999-A-G.
Other names: c.447T>C, p.His149= (NM_001355530.2); c.1856A>G, p.Asn619Ser (NM_001346599.2); c.1067A>G, p.Asn356Ser (NM_001346600.2, NM_001346603.2); c.1166A>G, p.Asn389Ser (NM_001346601.2); c.360-105T>C (NM_001355531.2); c.384-105T>C (NM_001355526.2); short protein forms N356S, N389S, N619S, N697S.
Identifiers: ClinVar variation 1014198 (VCV001014198.12), dbSNP rs777493133, ClinGen allele CA4426870.